The following is an entry in ClinVar:

NM_013275.6(ANKRD11):c.5515C>T (p.Pro1839Ser)

Gene: ANKRD11 (ankyrin repeat domain 11; minus strand). Cytogenetic location: 16q24.3.
Variant type: single nucleotide variant.
Coding change: c.5515C>T on transcript NM_013275.6 (MANE Select); coding-DNA position 5515, C replaced by T.
Protein change: p.Pro1839Ser; replaces proline 1839 with serine.
Molecular consequence: missense variant.
Genome position (GRCh38, 1-based): chr16:89,281,027, G>A on the plus strand (C>T on the coding strand, the complement: ANKRD11 is on the minus strand). VCF-style: chr16-89281027-G-A. GRCh37 (hg19) VCF-style: chr16-89347435-G-A.
Other names: c.5515C>T, p.Pro1839Ser (NM_001256182.2, NM_001256183.2); short protein forms P1839S.
Identifiers: ClinVar variation 3694628 (VCV003694628.2).
Genomic context (GRCh38, chr16:89,281,027, plus strand): 5'-ACGGGAGGCCATAGTCTGGGGAGTAGTACCCTGGCGACAAGCAGGCAAACTTCTCCGCGG[G>A]AACCGGGGGCAGGGGCGCCCTGTCTTCCATCGAGGGTGGCATGGGAGAGTCGTAGCTGGA-3'
Protein context (NP_037407.4, residues 1829-1849): MEDRAPLPPV[Pro1839Ser]AEKFACLSPG

ClinVar aggregate classification (germline): Uncertain significance (1 of 4 stars; one submission).

Conditions:
KBG syndrome (KBGS). Also called: ANKRD11-Related KBG Syndrome. Identifiers: Orphanet 2332, MedGen C0220687, MONDO:0007846, OMIM 148050.

Submission:

Labcorp Genetics (formerly Invitae), Labcorp
Classification: Uncertain significance for KBG syndrome. Last evaluated: 2024-02-17. Review status: criteria provided, single submitter. Criteria: Invitae Variant Classification Sherloc (09022015). Collection method: clinical testing. Allele origin: germline.
Comment: This sequence change replaces proline, which is neutral and non-polar, with serine, which is neutral and polar, at codon 1839 of the ANKRD11 protein (p.Pro1839Ser). This variant is not present in population databases (gnomAD no frequency). This variant has not been reported in the literature in individuals affected with ANKRD11-related conditions. Advanced modeling of protein sequence and biophysical properties (such as structural, functional, and spatial information, amino acid conservation, physicochemical variation, residue mobility, and thermodynamic stability) performed at Invitae indicates that this missense variant is not expected to disrupt ANKRD11 protein function with a negative predictive value of 95%. In summary, the available evidence is currently insufficient to determine the role of this variant in disease. Therefore, it has been classified as a Variant of Uncertain Significance.